The following is an entry in ClinVar:

ClinVar aggregate classification (germline): Uncertain significance. Review status: criteria provided, multiple submitters, no conflicts (2 of 4 stars). 3 submissions from 3 submitters: Uncertain significance (2). 1 of the submissions does not count toward it. Last evaluated 2025-10-13.

Conditions:
CFTR-related disorder (CFTR-RD). Also called: CFTR-related disorders; CFTR-related condition. Identifiers: MedGen C5924204, MONDO:7770004.
Cystic fibrosis (CF). Also called: MUCOVISCIDOSIS. Identifiers: Orphanet 586, MedGen C0010674, MONDO:0009061, OMIM 219700. Disease mechanism: loss of function.

Allele frequency attached by ClinVar (database versions not stated): gnomAD exomes below 0.00001; ExAC 0.00001.
gnomAD v4.1: 1 of 1,564,732 alleles (0.000064%); highest among the groups gnomAD compares: Non-Finnish European, 0.000088%; no homozygotes.

Submissions (3):

Women's Health and Genetics/Laboratory Corporation of America, LabCorp
Classification: Uncertain significance. Last evaluated: 2025-10-13. Review status: criteria provided, single submitter. Criteria: LabCorp Variant Classification Summary - May 2015. Collection method: clinical testing. Allele origin: germline.
Comment: Variant summary: CFTR c.563T>C (p.Leu188Pro) results in a non-conservative amino acid change in the encoded protein sequence. Algorithms developed to predict the effect of missense changes on protein structure and function all suggest that this variant is likely to be disruptive. The variant allele was found at a frequency of 4e-06 in 250382 control chromosomes. c.563T>C has been observed in individuals affected with Idiopathic Chronic Pancreatitis and CFTR-related Metabolic alkalosis/failure to thrive/hypokalemia (Audrezet_2008, Hamoir_2013, Masson_2013, Sinha_2022). In three unrelated cases, this variant has been reported as compound heterozygous state with two pathogenic variants in CFTR (Hamoir_2013, Masson_2013, Sinha_2022). These data indicate that the variant may be associated with disease. To our knowledge, no experimental evidence demonstrating an impact on protein function has been reported. The following publications have been ascertained in the context of this evaluation (PMID: 18687795, 23751316, 23951356, 35006361). ClinVar contains an entry for this variant (Variation ID: 551100). Based on the evidence outlined above, the variant was classified as VUS-possibly pathogenic.

PreventionGenetics, part of Exact Sciences
Classification: Uncertain significance for CFTR-related condition. Last evaluated: 2025-02-06. Review status: criteria provided, single submitter. Criteria: ACMG Guidelines, 2015. Collection method: clinical testing. Allele origin: germline.
Comment: The CFTR c.563T>C variant is predicted to result in the amino acid substitution p.Leu188Pro. This variant has been reported in patients with idiopathic pancreatitis (Audrezet et al. 2008. PubMed ID: 18687795; Hamoir et al. 2013. PubMed ID: 23751316; Masson et al. 2013. PubMed ID: 23951356). This variant is reported in 0.0054% of alleles in individuals of East Asian descent in gnomAD. At this time, the clinical significance of this variant is uncertain due to the absence of conclusive functional and genetic evidence.

Counsyl
Classification: Uncertain significance for Cystic fibrosis. Last evaluated: 2017-03-24. Review status: no assertion criteria provided. Collection method: clinical testing. Allele origin: unknown. Not counted in ClinVar's aggregate classification.

Literature cited by the submitters: PubMed 18687795 (cited by Women's Health and Genetics/Laboratory Corporation of America, LabCorp); PubMed 23951356 (cited by Women's Health and Genetics/Laboratory Corporation of America, LabCorp and Counsyl); PubMed 23751316 (cited by Women's Health and Genetics/Laboratory Corporation of America, LabCorp and Counsyl); PubMed 35006361 (cited by Women's Health and Genetics/Laboratory Corporation of America, LabCorp).

NM_000492.4(CFTR):c.563T>C (p.Leu188Pro)

Gene: CFTR (CF transmembrane conductance regulator; plus strand). Cytogenetic location: 7q31.2.
Variant type: single nucleotide variant.
Coding change: c.563T>C on transcript NM_000492.4 (MANE Select); coding-DNA position 563, T replaced by C.
Protein change: p.Leu188Pro; replaces leucine 188 with proline.
Molecular consequence: missense variant.
Genome position (GRCh38, 1-based): chr7:117,534,349, T>C. VCF-style: chr7-117534349-T-C. GRCh37 (hg19) VCF-style: chr7-117174403-T-C.
Other names: short protein forms L188P.
Identifiers: ClinVar variation 551100 (VCV000551100.6), dbSNP rs766640075, ClinGen allele CA4450756.
Genomic context (GRCh38, chr7:117,534,349, plus strand): 5'-CAAGCCGTGTTCTAGATAAAATAAGTATTGGACAACTTGTTAGTCTCCTTTCCAACAACC[T>C]GAACAAATTTGATGAAGTATGTACCTATTGATTTAATCTTTTAGGCACTATTGTTATAAA-3'
Protein context (NP_000483.3, residues 178-198): GQLVSLLSNN[Leu188Pro]NKFDEGLALA